The following is an entry in ClinVar:

ClinVar aggregate classification (germline): Uncertain significance (1 of 4 stars; one submission).

gnomAD v4.1: 1 of 1,614,118 alleles (0.000062%); highest among the groups gnomAD compares: South Asian, 0.0011%; no homozygotes.

Submission:

GeneDx
Classification: Uncertain significance. Last evaluated: 2024-11-05. Review status: criteria provided, single submitter. Criteria: GeneDx Variant Classification Process June 2021. Collection method: clinical testing. Allele origin: germline. Affected: yes.
Comment: Not observed at significant frequency in large population cohorts (gnomAD); In silico analysis indicates that this missense variant does not alter protein structure/function; Has not been previously published as pathogenic or benign to our knowledge

NM_005027.4(PIK3R2):c.1324G>A (p.Val442Met)

Gene: PIK3R2 (phosphoinositide-3-kinase regulatory subunit 2; plus strand). Cytogenetic location: 19p13.11.
Variant type: single nucleotide variant.
Coding change: c.1324G>A on transcript NM_005027.4 (MANE Select); coding-DNA position 1324, G replaced by A.
Protein change: p.Val442Met; replaces valine 442 with methionine.
Molecular consequence: missense variant. On other transcripts: non-coding transcript variant (2).
Genome position (GRCh38, 1-based): chr19:18,163,296, G>A. VCF-style: chr19-18163296-G-A. GRCh37 (hg19) VCF-style: chr19-18274106-G-A.
Other names: short protein forms V442M.
Identifiers: ClinVar variation 3897491 (VCV003897491.1).